The following is an entry in ClinVar:

ClinVar aggregate classification (germline): Likely benign. Review status: criteria provided, multiple submitters, no conflicts (2 of 4 stars). 2 submissions from 2 submitters: Likely benign (2). Last evaluated 2025-06-01.

Allele frequency attached by ClinVar (database versions not stated): TOPMed 0.00001; gnomAD 0.00002.
gnomAD v4.1: 23 of 1,526,966 alleles (0.0015%); highest among the groups gnomAD compares: East Asian, 0.0025%; no homozygotes.

Submissions (2):

CeGaT Center for Human Genetics Tuebingen
Classification: Likely benign. Last evaluated: 2025-06-01. Review status: criteria provided, single submitter. Criteria: CeGaT Center For Human Genetics Tuebingen Variant Classification Criteria Version 2. Collection method: clinical testing. Allele origin: germline. Affected: yes. Observed: 2 variant alleles.
Comment: NOTCH3: BP4, BP7

Blueprint Genetics
Classification: Likely benign. Last evaluated: 2021-01-25. Review status: criteria provided, single submitter. Criteria: ACMG Guidelines, 2015. Collection method: clinical testing. Allele origin: germline.

NM_000435.3(NOTCH3):c.6219G>A (p.Gly2073=)

Gene: NOTCH3 (notch receptor 3; minus strand). Cytogenetic location: 19p13.12.
Variant type: single nucleotide variant.
Coding change: c.6219G>A on transcript NM_000435.3 (MANE Select); coding-DNA position 6219, G replaced by A.
Protein change: p.Gly2073=; no amino-acid change (glycine 2073 retained).
Molecular consequence: synonymous variant.
Genome position (GRCh38, 1-based): chr19:15,161,409, C>T on the plus strand (G>A on the coding strand, the complement: NOTCH3 is on the minus strand). VCF-style: chr19-15161409-C-T. GRCh37 (hg19) VCF-style: chr19-15272220-C-T.
Identifiers: ClinVar variation 2649430 (VCV002649430.25), dbSNP rs1319186048, ClinGen allele CA506076569.